The following is an entry in ClinVar:

ClinVar aggregate classification (germline): Conflicting classifications of pathogenicity. Review status: criteria provided, conflicting classifications (1 of 4 stars). 2 submissions from 2 submitters: Uncertain significance (1); Likely benign (1). Last evaluated 2025-10-02.

Conditions:
Hereditary cancer-predisposing syndrome. Also called: Neoplastic Syndromes, Hereditary; Hereditary Cancer Syndrome; Hereditary neoplastic syndrome; Tumor predisposition. Identifiers: Orphanet 140162, MedGen C0027672, MeSH D009386, MONDO:0015356.
Oligodontia-cancer predisposition syndrome. Also called: TOOTH AGENESIS-COLORECTAL CANCER SYNDROME. Identifiers: Orphanet 300576, MedGen C1837750, MONDO:0012075, OMIM 608615. Disease mechanism: loss of function.

Submissions (2):

Ambry Genetics
Classification: Likely benign for Hereditary cancer-predisposing syndrome. Last evaluated: 2025-10-02. Review status: criteria provided, single submitter. Criteria: Ambry Variant Classification Scheme 2023. Collection method: clinical testing. Allele origin: germline.

Labcorp Genetics (formerly Invitae), Labcorp
Classification: Uncertain significance for Oligodontia-cancer predisposition syndrome. Last evaluated: 2024-05-22. Review status: criteria provided, single submitter. Criteria: Invitae Variant Classification Sherloc (09022015). Collection method: clinical testing. Allele origin: germline.
Comment: This sequence change replaces glutamine, which is neutral and polar, with proline, which is neutral and non-polar, at codon 731 of the AXIN2 protein (p.Gln731Pro). This variant is not present in population databases (gnomAD no frequency). This variant has not been reported in the literature in individuals affected with AXIN2-related conditions. ClinVar contains an entry for this variant (Variation ID: 2566134). An algorithm developed to predict the effect of missense changes on protein structure and function (PolyPhen-2) suggests that this variant is likely to be tolerated. In summary, the available evidence is currently insufficient to determine the role of this variant in disease. Therefore, it has been classified as a Variant of Uncertain Significance.

NM_004655.4(AXIN2):c.2192A>C (p.Gln731Pro)

Gene: AXIN2 (axin 2; minus strand). Cytogenetic location: 17q24.1.
Variant type: single nucleotide variant.
Coding change: c.2192A>C on transcript NM_004655.4 (MANE Select); coding-DNA position 2192, A replaced by C.
Protein change: p.Gln731Pro; replaces glutamine 731 with proline.
Molecular consequence: missense variant.
Genome position (GRCh38, 1-based): chr17:65,535,671, T>G on the plus strand (A>C on the coding strand, the complement: AXIN2 is on the minus strand). VCF-style: chr17-65535671-T-G. GRCh37 (hg19) VCF-style: chr17-63531789-T-G.
Other names: c.1997A>C, p.Gln666Pro (NM_001363813.1); short protein forms Q666P, Q731P.
Identifiers: ClinVar variation 2566134 (VCV002566134.5), dbSNP rs2509397080, ClinGen allele CA400675780.